The following is an entry in ClinVar:

ClinVar aggregate classification (germline): Likely benign. Review status: criteria provided, multiple submitters, no conflicts (2 of 4 stars). 2 submissions from 2 submitters: Likely benign (2). Last evaluated 2026-08-01.

Allele frequency attached by ClinVar (database versions not stated): ExAC 0.00001; gnomAD exomes 0.00001; gnomAD 0.00002; ESP Exome Variant Server 0.00008.
gnomAD v4.1: 14 of 1,614,048 alleles (0.00087%); highest among the groups gnomAD compares: Middle Eastern, 0.016%; no homozygotes.

Submissions (2):

CeGaT Center for Human Genetics Tuebingen
Classification: Likely benign. Last evaluated: 2026-08-01. Review status: criteria provided, single submitter. Criteria: CeGaT Center For Human Genetics Tuebingen Variant Classification Criteria Version 2. Collection method: clinical testing. Allele origin: germline. Affected: yes. Observed: 1 variant allele.
Comment: NARS2: BP4, BP7

Labcorp Genetics (formerly Invitae), Labcorp
Classification: Likely benign. Last evaluated: 2025-12-03. Review status: criteria provided, single submitter. Criteria: Invitae Variant Classification Sherloc (09022015). Collection method: clinical testing. Allele origin: germline.

NM_024678.6(NARS2):c.60C>T (p.Pro20=)

Gene: NARS2 (asparaginyl-tRNA synthetase 2, mitochondrial; minus strand). Cytogenetic location: 11q14.1.
Variant type: single nucleotide variant.
Coding change: c.60C>T on transcript NM_024678.6 (MANE Select); coding-DNA position 60, C replaced by T.
Protein change: p.Pro20=; no amino-acid change (proline 20 retained).
Molecular consequence: synonymous variant. On other transcripts: intron variant (1).
Genome position (GRCh38, 1-based): chr11:78,574,429, G>A on the plus strand (C>T on the coding strand, the complement: NARS2 is on the minus strand). VCF-style: chr11-78574429-G-A. GRCh37 (hg19) VCF-style: chr11-78285474-G-A.
Other names: c.-541+400C>T (NM_001243251.2).
Identifiers: ClinVar variation 2144852 (VCV002144852.5), dbSNP rs146080997, ClinGen allele CA6205987.
Genomic context (GRCh38, chr11:78,574,429, plus strand): 5'-ACTCGCGTTCTGAGCCCCGAGAGCGTCCCGCACGCTCAGTTTGGCTGAAGGTTTGTGCTT[G>A]GGGAAGGGGGCGGAGGAACAGAAGCGCACGGACCGCAGCAGGCAGCGGACCCCCAGCATC-3'
Protein context (NP_078954.4, residues 10-30): SVRFCSSAPF[Pro20=]KHKPSAKLSV